The following is an entry in ClinVar:

ClinVar aggregate classification (germline): Uncertain significance (1 of 4 stars; one submission).

gnomAD v4.1: 9 of 1,614,110 alleles (0.00056%); highest among the groups gnomAD compares: Non-Finnish European, 0.00068%; no homozygotes.

Submission:

Women's Health and Genetics/Laboratory Corporation of America, LabCorp
Classification: Uncertain significance. Last evaluated: 2025-10-13. Review status: criteria provided, single submitter. Criteria: LabCorp Variant Classification Summary - May 2015. Collection method: clinical testing. Allele origin: germline.
Comment: Variant summary: CAPN3 c.1698G>T (p.Glu566Asp) results in a conservative amino acid change in the encoded protein sequence. Algorithms developed to predict the effect of missense changes on protein structure and function are either unavailable or do not agree on the potential impact of this missense change. The variant allele was found at a frequency of 8e-06 in 251384 control chromosomes. The available data on variant occurrences in the general population are insufficient to allow any conclusion about variant significance. To our knowledge, no occurrence of c.1698G>T in individuals affected with CAPN3-related conditions and no experimental evidence demonstrating its impact on protein function have been reported. No submitters have cited clinical-significance assessments for this variant to ClinVar. Based on the evidence outlined above, the variant was classified as uncertain significance.

NM_000070.3(CAPN3):c.1698G>T (p.Glu566Asp)

Gene: CAPN3 (calpain 3; plus strand). Cytogenetic location: 15q15.1.
Variant type: single nucleotide variant.
Coding change: c.1698G>T on transcript NM_000070.3 (MANE Select); coding-DNA position 1698, G replaced by T.
Protein change: p.Glu566Asp; replaces glutamic acid 566 with aspartic acid.
Molecular consequence: missense variant.
Genome position (GRCh38, 1-based): chr15:42,402,955, G>T. VCF-style: chr15-42402955-G-T. GRCh37 (hg19) VCF-style: chr15-42695153-G-T.
Other names: c.1698G>T, p.Glu566Asp (NM_024344.2); c.1554G>T, p.Glu518Asp (NM_173087.2); c.162G>T, p.Glu54Asp (NM_173088.2); short protein forms E518D, E54D, E566D.
Identifiers: ClinVar variation 4687339 (VCV004687339.1).
Genomic context (GRCh38, chr15:42,402,955, plus strand): 5'-CTTCCGCCTGCCTCCCAGCGAGTACGTCATCGTGCCCTCCACCTACGAGCCCCACCAGGA[G>T]GGGGAATTCATCCTCCGGGTCTTCTCTGAAAAGAGGAACCTCTCTGAGTGAGTGCTGGCC-3'
Protein context (NP_000061.1, residues 556-576): IVPSTYEPHQ[Glu566Asp]GEFILRVFSE